The following is an entry in ClinVar:

NM_022168.4(IFIH1):c.2947A>G (p.Lys983Glu)

Gene: IFIH1 (interferon induced with helicase C domain 1; minus strand). Cytogenetic location: 2q24.2.
Variant type: single nucleotide variant.
Coding change: c.2947A>G on transcript NM_022168.4 (MANE Select); coding-DNA position 2947, A replaced by G.
Protein change: p.Lys983Glu; replaces lysine 983 with glutamic acid.
Molecular consequence: missense variant.
Genome position (GRCh38, 1-based): chr2:162,267,331, T>C on the plus strand (A>G on the coding strand, the complement: IFIH1 is on the minus strand). VCF-style: chr2-162267331-T-C. GRCh37 (hg19) VCF-style: chr2-163123841-T-C.
Other names: short protein forms K983E.
Identifiers: ClinVar variation 2672248 (VCV002672248.4), dbSNP rs1690943601, ClinGen allele CA348989147.

ClinVar aggregate classification (germline): Uncertain significance. Review status: criteria provided, multiple submitters, no conflicts (2 of 4 stars). 2 submissions from 2 submitters: Uncertain significance (2). Last evaluated 2023-02-22.

Conditions:
Aicardi-Goutieres syndrome 7 (AGS7). Identifiers: Orphanet 51, MedGen C3888244, MONDO:0014367, OMIM 615846.
Singleton-Merten syndrome 1 (SGMRT1). Also called: Widened medullary cavities of bone, aortic calcification, abnormal dentition, and muscular weakness; Syndrome of widened medullary cavities of the metacarpals and phalanges, aortic calcification and abnormal dentition. Identifiers: Orphanet 85191, MedGen C4225427, MONDO:0024535, OMIM 182250.
Basal ganglia calcification, idiopathic, childhood-onset (PFBC1B). Also called: IBGC childhood onset; Bilateral striopallidodentate calcinosis childhood-onset; Cerebral calcification nonarteriosclerotic idiopathic childhood-onset. Identifiers: Orphanet 51, MedGen C1861967, MONDO:0007247, OMIM 114100.

Allele frequency attached by ClinVar (database versions not stated): gnomAD exomes below 0.00001; gnomAD 0.00001.
gnomAD v4.1: 6 of 1,612,858 alleles (0.00037%); highest among the groups gnomAD compares: South Asian, 0.0055%; no homozygotes.

Submissions (2):

Labcorp Genetics (formerly Invitae), Labcorp
Classification: Uncertain significance for Aicardi-Goutieres syndrome 7; Singleton-Merten syndrome 1. Last evaluated: 2023-02-22. Review status: criteria provided, single submitter. Criteria: Invitae Variant Classification Sherloc (09022015). Collection method: clinical testing. Allele origin: germline.
Comment: In summary, the available evidence is currently insufficient to determine the role of this variant in disease. Therefore, it has been classified as a Variant of Uncertain Significance. This sequence change replaces lysine, which is basic and polar, with glutamic acid, which is acidic and polar, at codon 983 of the IFIH1 protein (p.Lys983Glu). This variant is not present in population databases (gnomAD no frequency). This variant has not been reported in the literature in individuals affected with IFIH1-related conditions. Advanced modeling of protein sequence and biophysical properties (such as structural, functional, and spatial information, amino acid conservation, physicochemical variation, residue mobility, and thermodynamic stability) has been performed at Invitae for this missense variant, however the output from this modeling did not meet the statistical confidence thresholds required to predict the impact of this variant on IFIH1 protein function.

Institute of Human Genetics, University Hospital of Duesseldorf
Classification: Uncertain significance for Basal ganglia calcification, idiopathic, childhood-onset. Review status: criteria provided, single submitter. Criteria: ACMG Guidelines, 2015. Collection method: not provided. Allele origin: germline. Inheritance: Autosomal dominant inheritance. Affected: yes.